The following is an entry in ClinVar:

NM_018136.5(ASPM):c.7252T>C (p.Phe2418Leu)

Gene: ASPM (assembly factor for spindle microtubules; minus strand). Cytogenetic location: 1q31.3.
Variant type: single nucleotide variant.
Coding change: c.7252T>C on transcript NM_018136.5 (MANE Select); coding-DNA position 7252, T replaced by C.
Protein change: p.Phe2418Leu; replaces phenylalanine 2418 with leucine.
Molecular consequence: missense variant. On other transcripts: intron variant (1).
Genome position (GRCh38, 1-based): chr1:197,101,999, A>G on the plus strand (T>C on the coding strand, the complement: ASPM is on the minus strand). VCF-style: chr1-197101999-A-G. GRCh37 (hg19) VCF-style: chr1-197071129-A-G.
Other names: c.4066-5835T>C (NM_001206846.2); short protein forms F2418L.
Identifiers: ClinVar variation 2695231 (VCV002695231.3), dbSNP rs2527293708, ClinGen allele CA344019679.

ClinVar aggregate classification (germline): Uncertain significance (1 of 4 stars; one submission).

Submission:

Labcorp Genetics (formerly Invitae), Labcorp
Classification: Uncertain significance. Last evaluated: 2023-11-19. Review status: criteria provided, single submitter. Criteria: Invitae Variant Classification Sherloc (09022015). Collection method: clinical testing. Allele origin: germline.
Comment: This sequence change replaces phenylalanine, which is neutral and non-polar, with leucine, which is neutral and non-polar, at codon 2418 of the ASPM protein (p.Phe2418Leu). This variant is not present in population databases (gnomAD no frequency). This variant has not been reported in the literature in individuals affected with ASPM-related conditions. Advanced modeling of protein sequence and biophysical properties (such as structural, functional, and spatial information, amino acid conservation, physicochemical variation, residue mobility, and thermodynamic stability) has been performed at Invitae for this missense variant, however the output from this modeling did not meet the statistical confidence thresholds required to predict the impact of this variant on ASPM protein function. In summary, the available evidence is currently insufficient to determine the role of this variant in disease. Therefore, it has been classified as a Variant of Uncertain Significance.